The following is an entry in ClinVar:

ClinVar aggregate classification (germline): Uncertain significance. Review status: criteria provided, multiple submitters, no conflicts (2 of 4 stars). 2 submissions from 2 submitters: Uncertain significance (2). Last evaluated 2026-07-02.

Conditions:
Hereditary cancer-predisposing syndrome. Also called: Hereditary Cancer Syndrome; Hereditary neoplastic syndrome; Neoplastic Syndromes, Hereditary; Tumor predisposition. Identifiers: Orphanet 140162, MedGen C0027672, MeSH D009386, MONDO:0015356.

Submissions (2):

Ambry Genetics
Classification: Uncertain significance for Hereditary cancer-predisposing syndrome. Last evaluated: 2026-07-02. Review status: criteria provided, single submitter. Criteria: Ambry Variant Classification Scheme 2023. Collection method: clinical testing. Allele origin: germline.
Comment: The p.P465Q variant (also known as c.1394C>A), located in coding exon 10 of the BMPR1A gene, results from a C to A substitution at nucleotide position 1394. The proline at codon 465 is replaced by glutamine, an amino acid with similar properties. This amino acid position is conserved. In addition, this alteration is predicted to be deleterious by in silico analysis. Based on the available evidence, the clinical significance of this variant remains unclear.

Color Diagnostics, LLC DBA Color Health
Classification: Uncertain significance for Hereditary cancer-predisposing syndrome. Last evaluated: 2023-06-20. Review status: criteria provided, single submitter. Criteria: ACMG Guidelines, 2015. Collection method: clinical testing. Allele origin: germline.
Comment: This missense variant replaces proline with glutamine at codon 465 of the BMPR1A protein. Computational prediction suggests that this variant may have deleterious impact on protein structure and function (internally defined REVEL score threshold >= 0.7, PMID: 27666373). To our knowledge, functional studies have not been reported for this variant. This variant has not been reported in individuals affected with BMPR1A-related disorders in the literature. This variant has not been identified in the general population by the Genome Aggregation Database (gnomAD). The available evidence is insufficient to determine the role of this variant in disease conclusively. Therefore, this variant is classified as a Variant of Uncertain Significance.

NM_004329.3(BMPR1A):c.1394C>A (p.Pro465Gln)

Gene: BMPR1A (bone morphogenetic protein receptor type 1A; plus strand). Cytogenetic location: 10q23.2.
Variant type: single nucleotide variant.
Coding change: c.1394C>A on transcript NM_004329.3 (MANE Select); coding-DNA position 1394, C replaced by A.
Protein change: p.Pro465Gln; replaces proline 465 with glutamine.
Molecular consequence: missense variant. On other transcripts: non-coding transcript variant (3).
Genome position (GRCh38, 1-based): chr10:86,923,427, C>A. VCF-style: chr10-86923427-C-A. GRCh37 (hg19) VCF-style: chr10-88683184-C-A.
Other names: c.1394C>A, p.Pro465Gln (NM_001406574.1, NM_001406575.1, NM_001406576.1 and 19 more transcripts); c.1388C>A, p.Pro463Gln (NM_001406583.1); c.1310C>A, p.Pro437Gln (NM_001406584.1, NM_001406585.1, NM_001406586.1 and 2 more transcripts); c.1052C>A, p.Pro351Gln (NM_001406589.1); c.1469C>A, p.Pro490Gln (NM_001406559.1); c.1442C>A, p.Pro481Gln (NM_001406560.1); short protein forms P490Q, P463Q, P465Q, P351Q, P437Q, P481Q.
Identifiers: ClinVar variation 2774819 (VCV002774819.3), dbSNP rs1843695473, ClinGen allele CA377462869.
Genomic context (GRCh38, chr10:86,923,427, plus strand): 5'-CCCTTATAGGGATCGTGGAAGAATACCAATTGCCATATTACAACATGGTACCGAGTGATC[C>A]GTCATACGAAGATATGCGTGAGGTTGTGTGTGTCAAACGTTTGCGGCCAATTGTGTCTAA-3'
Protein context (NP_004320.2, residues 455-475): LPYYNMVPSD[Pro465Gln]SYEDMREVVC